The following is an entry in ClinVar:

ClinVar aggregate classification (germline): Uncertain significance (1 of 4 stars; one submission).

Submission:

GeneDx
Classification: Uncertain significance. Last evaluated: 2024-09-25. Review status: criteria provided, single submitter. Criteria: GeneDx Variant Classification Process June 2021. Collection method: clinical testing. Allele origin: germline. Affected: yes.
Comment: Not observed at significant frequency in large population cohorts (gnomAD); In silico analysis supports that this missense variant has a deleterious effect on protein structure/function; Has not been previously published as pathogenic or benign to our knowledge

NM_181672.3(OGT):c.884C>T (p.Ala295Val)

Gene: OGT (O-linked N-acetylglucosamine (GlcNAc) transferase; plus strand). Cytogenetic location: Xq13.1.
Variant type: single nucleotide variant.
Coding change: c.884C>T on transcript NM_181672.3 (MANE Select); coding-DNA position 884, C replaced by T.
Protein change: p.Ala295Val; replaces alanine 295 with valine.
Molecular consequence: missense variant.
Genome position (GRCh38, 1-based): chrX:71,555,345, C>T. VCF-style: chrX-71555345-C-T. GRCh37 (hg19) VCF-style: chrX-70775195-C-T.
Other names: c.854C>T, p.Ala285Val (NM_181673.3); short protein forms A285V, A295V.
Identifiers: ClinVar variation 3774771 (VCV003774771.1).